The following is an entry in ClinVar:

NM_000260.4(MYO7A):c.3543_3544dup (p.Asn1182fs)

Gene: MYO7A (myosin VIIA; plus strand). Cytogenetic location: 11q13.5.
Variant type: Microsatellite.
Coding change: c.3543_3544dup on transcript NM_000260.4 (MANE Select); coding-DNA positions 3543 to 3544, 2 bases duplicated (CA; older notation c.3543_3544dupCA).
Protein change: p.Asn1182fs; shifts the reading frame from asparagine 1182.
Molecular consequence: frameshift variant.
Genome position (GRCh38, 1-based): chr11:77,189,383-77,189,384, CA duplicated; duplicating any 2 consecutive bases within chr11:77,189,381-77,189,384 gives the same sequence; the c. name uses the placement nearest the transcript's 3' end. VCF-style (leftmost placement, unchanged base first): chr11-77189380-C-CCA. GRCh37 (hg19) VCF-style: chr11-76900425-C-CCA.
Other names: c.3543_3544dup (NM_000260.3); c.3543_3544dup, p.Asn1182fs (NM_001127180.2); c.3510_3511dup, p.Asn1171fs (NM_001369365.1); short protein forms N1182fs, N1171fs.
Identifiers: ClinVar variation 43211 (VCV000043211.14), dbSNP rs111033390, ClinGen allele CA278653.
Genomic context (GRCh38, chr11:77,189,380, plus strand): 5'-TCCCTTGCCCTGCTGCCTGCCCAGGGACGAGATCTACTGCCAGATCAGCAAGCAGCTGAC[C>CCA]CACAACCCCTCCAAGAGCAGCTATGCCCGGGGCTGGATTCTCGTGTCTCTCTGCGTGGGC-3'

ClinVar aggregate classification (germline): Pathogenic/Likely pathogenic. Review status: criteria provided, multiple submitters, no conflicts (2 of 4 stars). 3 submissions from 3 submitters: Pathogenic (1); Likely pathogenic (2). Last evaluated 2024-08-09.

Conditions:
MYO7A-related disorder. Also called: MYO7A-related disorders.
Rare genetic deafness. Identifiers: Orphanet 96210, MedGen C5680250.

Submissions (3):

Blueprint Genetics
Classification: Likely pathogenic for MYO7A-related disorders. Last evaluated: 2024-08-09. Review status: criteria provided, single submitter. Criteria: ACMG Guidelines, 2015. Collection method: clinical testing. Allele origin: germline. Affected: yes. Observed: 1 variant allele.

Labcorp Genetics (formerly Invitae), Labcorp
Classification: Pathogenic. Last evaluated: 2023-07-08. Review status: criteria provided, single submitter. Criteria: Invitae Variant Classification Sherloc (09022015). Collection method: clinical testing. Allele origin: germline.
Comment: This variant is not present in population databases (gnomAD no frequency). For these reasons, this variant has been classified as Pathogenic. ClinVar contains an entry for this variant (Variation ID: 43211). This variant has not been reported in the literature in individuals affected with MYO7A-related conditions. This sequence change creates a premature translational stop signal (p.Asn1182Thrfs*51) in the MYO7A gene. It is expected to result in an absent or disrupted protein product. Loss-of-function variants in MYO7A are known to be pathogenic (PMID: 8900236, 25404053).

Laboratory for Molecular Medicine, Mass General Brigham Personalized Medicine
Classification: Likely pathogenic for Rare genetic deafness. Last evaluated: 2008-04-10. Review status: criteria provided, single submitter. Criteria: LMM Criteria. Collection method: clinical testing. Allele origin: germline. Observed: 1 variant allele.

Literature cited by the submitters: PubMed 8900236 (cited by Labcorp Genetics (formerly Invitae), Labcorp); PubMed 25404053 (cited by Labcorp Genetics (formerly Invitae), Labcorp).